The following is an entry in ClinVar:

NM_001267550.2(TTN):c.62113G>T (p.Val20705Phe)

Genes: TTN (titin; minus strand), TTN-AS1 (TTN antisense RNA 1; plus strand). Cytogenetic location: 2q31.2.
Variant type: single nucleotide variant.
Coding change: c.62113G>T on transcript NM_001267550.2 (MANE Select); coding-DNA position 62113, G replaced by T.
Protein change: p.Val20705Phe; replaces valine 20705 with phenylalanine.
Molecular consequence: missense variant.
Genome position (GRCh38, 1-based): chr2:178,589,612, C>A on the plus strand (G>T on the coding strand, the complement: TTN is on the minus strand). VCF-style: chr2-178589612-C-A. GRCh37 (hg19) VCF-style: chr2-179454339-C-A.
Other names: c.57190G>T, p.Val19064Phe (NM_001256850.1); c.34918G>T, p.Val11640Phe (NM_003319.4); c.54409G>T, p.Val18137Phe (NM_133378.4); c.35293G>T, p.Val11765Phe (NM_133432.3); c.35494G>T, p.Val11832Phe (NM_133437.4); short protein forms V11640F, V11765F, V11832F, V18137F, V19064F, V20705F.
Identifiers: ClinVar variation 4820529 (VCV004820529.1), dbSNP rs1318869377.

ClinVar aggregate classification (germline): Likely benign (1 of 4 stars; one submission).

Submission:

Molecular Diagnostic Laboratory for Inherited Cardiovascular Disease, Montreal Heart Institute
Classification: Likely benign. Last evaluated: 2026-03-27. Review status: criteria provided, single submitter. Criteria: ACMG Guidelines, 2015. Collection method: clinical testing. Allele origin: germline. Affected: no.
Comment: BP1